The following is an entry in ClinVar:

NM_001355436.2(SPTB):c.5209del (p.Arg1737fs)

Gene: SPTB (spectrin beta, erythrocytic; minus strand). Cytogenetic location: 14q23.3.
Variant type: Deletion.
Coding change: c.5209del on transcript NM_001355436.2 (MANE Select); coding-DNA position 5209, one base deleted (C; older notation c.5209delC).
Protein change: p.Arg1737fs; shifts the reading frame from arginine 1737.
Molecular consequence: frameshift variant.
Genome position (GRCh38, 1-based): chr14:64,772,924, G deleted on the plus strand (C on the coding strand, the reverse complement: SPTB is on the minus strand); the first of 3 consecutive G bases (chr14:64,772,924-64,772,926); deleting any one gives the same sequence. VCF-style (leftmost placement, unchanged base first): chr14-64772923-CG-C. GRCh37 (hg19) VCF-style: chr14-65239641-CG-C.
Other names: p.Arg1737Glyfs*14; c.5209del, p.Arg1737fs (NM_001024858.4, NM_001355437.2); short protein forms R1737fs.
Identifiers: ClinVar variation 3381110 (VCV003381110.1).
Genomic context (GRCh38, chr14:64,772,923, plus strand): 5'-AGTCGCTCGATGAAGGCATTCACATTGTCCACCCGCTCCTGCCCAATCGCCCCGGTCTCC[CG>C]GGCAAAGTCCCGGAACTTGTCCCGCAGAAGCTAGGCATGGGGCAGACAGAAATGTGGTTA-3'

ClinVar aggregate classification (germline): Likely pathogenic (1 of 4 stars; one submission).

Submission:

Mayo Clinic Laboratories, Mayo Clinic
Classification: Likely pathogenic. Last evaluated: 2024-07-10. Review status: criteria provided, single submitter. Criteria: ACMG Guidelines, 2015. Collection method: clinical testing. Allele origin: germline. Observed: 4 variant alleles.
Comment: PM2_moderate, PVS1